The following is an entry in ClinVar:

ClinVar aggregate classification (germline): Likely pathogenic (1 of 4 stars; one submission).

Conditions:
DYRK1A-related intellectual disability syndrome (MRD7). Also called: DYRK1A Syndrome; Intellectual developmental disorder, autosomal dominant 7. Identifiers: Orphanet 464306, MedGen C5568143, MONDO:0013578, OMIM 614104.

Submission:

Labcorp Genetics (formerly Invitae), Labcorp
Classification: Likely pathogenic for DYRK1A-related intellectual disability syndrome. Last evaluated: 2022-08-19. Review status: criteria provided, single submitter. Criteria: Invitae Variant Classification Sherloc (09022015). Collection method: clinical testing. Allele origin: germline.
Comment: In summary, the currently available evidence indicates that the variant is pathogenic, but additional data are needed to prove that conclusively. Therefore, this variant has been classified as Likely Pathogenic. Algorithms developed to predict the effect of sequence changes on RNA splicing suggest that this variant may disrupt the consensus splice site. This variant has not been reported in the literature in individuals affected with DYRK1A-related conditions. This variant is not present in population databases (gnomAD no frequency). This sequence change affects a splice site in intron 5 of the DYRK1A gene. It is expected to disrupt RNA splicing. Variants that disrupt the donor or acceptor splice site typically lead to a loss of protein function (PMID: 16199547), and loss-of-function variants in DYRK1A are known to be pathogenic (PMID: 25944381).

Literature cited by the submitters: PubMed 16199547; PubMed 25944381.

NM_001347721.2(DYRK1A):c.637+2_637+13del

Gene: DYRK1A (dual specificity tyrosine phosphorylation regulated kinase 1A; plus strand). Cytogenetic location: 21q22.13.
Variant type: Deletion.
Coding change: c.637+2_637+13del on transcript NM_001347721.2 (MANE Select); the canonical splice donor site of the intron after coding-DNA position 637 through 13 bases into the intron after coding-DNA position 637, 12 bases deleted (TAAACAAACAGG).
Molecular consequence: splice donor variant.
Genome position (GRCh38, 1-based): chr21:37,486,616-37,486,627, TAAACAAACAGG deleted; deleting any 12 consecutive bases within chr21:37,486,613-37,486,627 gives the same sequence; the c. name uses the placement nearest the transcript's 3' end. VCF-style (leftmost placement, unchanged base first): chr21-37486612-TAGGTAAACAAAC-T. GRCh37 (hg19) VCF-style: chr21-38858914-TAGGTAAACAAAC-T.
Other names: c.664+2_664+13del (NM_001396.5, NM_101395.2, NM_130438.2); c.637+2_637+13del (NM_001347722.2, NM_130436.2); c.550+2_550+13del (NM_001347723.2).
Identifiers: ClinVar variation 2024813 (VCV002024813.4), dbSNP rs2518010515, ClinGen allele CA2580098693.